The following is an entry in ClinVar:

NM_004100.5(EYA4):c.641C>A (p.Pro214Gln)

Gene: EYA4 (EYA transcriptional coactivator and phosphatase 4; plus strand). Cytogenetic location: 6q23.2.
Variant type: single nucleotide variant.
Coding change: c.641C>A on transcript NM_004100.5 (MANE Select); coding-DNA position 641, C replaced by A.
Protein change: p.Pro214Gln; replaces proline 214 with glutamine.
Molecular consequence: missense variant.
Genome position (GRCh38, 1-based): chr6:133,462,681, C>A. VCF-style: chr6-133462681-C-A. GRCh37 (hg19) VCF-style: chr6-133783819-C-A.
Other names: c.479C>A, p.Pro160Gln (NM_001301012.2, NM_001370459.1); c.641C>A, p.Pro214Gln (NM_001301013.2, NM_172105.4); c.572C>A, p.Pro191Gln (NM_001370458.1, NM_172103.4); short protein forms P214Q, P160Q, P191Q.
Identifiers: ClinVar variation 239630 (VCV000239630.9), dbSNP rs878854624, ClinGen allele CA10582445.
Genomic context (GRCh38, chr6:133,462,681, plus strand): 5'-ATTTGGGTGTGATGTTGCCAGCCATCAAGACAGAGAGTGGACTTTCCCAAACTCAGTCCC[C>A]ATTACAGAGTGGCTGCCTCAGTTACAGCCCAGGGTTCTCTACCCCACAGCCAGGCCAGAC-3'
Protein context (NP_004091.3, residues 204-224): TESGLSQTQS[Pro214Gln]LQSGCLSYSP

ClinVar aggregate classification (germline): Uncertain significance. Review status: criteria provided, multiple submitters, no conflicts (2 of 4 stars). 2 submissions from 2 submitters: Uncertain significance (2). Last evaluated 2022-11-20.

Conditions:
Cardiovascular phenotype. Identifiers: MedGen CN230736.
Dilated cardiomyopathy 1J (CMD1J). Also called: CARDIOMYOPATHY, DILATED, WITH SENSORINEURAL HEARING LOSS, AUTOSOMAL DOMINANT. Identifiers: Orphanet 217622, MedGen C1854368, MONDO:0011541, OMIM 605362.

Submissions (2):

Ambry Genetics
Classification: Uncertain significance for Cardiovascular phenotype. Last evaluated: 2022-11-20. Review status: criteria provided, single submitter. Criteria: Ambry Variant Classification Scheme 2023. Collection method: clinical testing. Allele origin: germline.
Comment: The p.P214Q variant (also known as c.641C>A), located in coding exon 8 of the EYA4 gene, results from a C to A substitution at nucleotide position 641. The proline at codon 214 is replaced by glutamine, an amino acid with similar properties. This amino acid position is conserved. In addition, the in silico prediction for this alteration is inconclusive. Since supporting evidence is limited at this time, the clinical significance of this alteration remains unclear.

Labcorp Genetics (formerly Invitae), Labcorp
Classification: Uncertain significance for Dilated cardiomyopathy 1J. Last evaluated: 2015-12-28. Review status: criteria provided, single submitter. Criteria: Invitae Variant Classification Sherloc (09022015). Collection method: clinical testing. Allele origin: germline.
Comment: In summary, this is a novel missense change with uncertain impact on protein function. It has been classified as a Variant of Uncertain Significance. Algorithms developed to predict the effect of missense changes on protein structure and function do not agree on the potential impact of this missense change (SIFT: "Deleterious"; PolyPhen-2: "Possibly Damaging"; Align-GVGD: "Class C0"). This variant is not present in population databases (ExAC no frequency) and has not been reported in the literature in individuals with a EYA4-related disease. This sequence change replaces proline with glutamine at codon 214 of the EYA4 protein (p.Pro214Gln). The proline residue is highly conserved and there is a moderate physicochemical difference between proline and glutamine.